The following is an entry in ClinVar:

ClinVar aggregate classification (germline): Benign (3 of 4 stars; one submission).

Conditions:
Breast-ovarian cancer, familial, susceptibility to, 1 (BROVCA1). Also called: BRCA1 Hereditary Breast and Ovarian Cancer; OVARIAN CANCER, SUSCEPTIBILITY TO. Identifiers: Orphanet 145, MedGen C2676676, MONDO:0011450, OMIM 604370. Disease mechanism: loss of function.

Allele frequency attached by ClinVar (database versions not stated): gnomAD 0.00439 and 0.00413; 1000 Genomes Project 30x 0.00453; 1000 Genomes Project 0.00399; TOPMed 0.00423.
gnomAD v4.1: 615 of 151,568 alleles (0.41%); highest among the groups gnomAD compares: African/African-American, 1.4%; 5 homozygotes.

Submission:

Evidence-based Network for the Interpretation of Germline Mutant Alleles (ENIGMA)
Classification: Benign for Breast-ovarian cancer, familial 1. Last evaluated: 2015-01-12. Review status: reviewed by expert panel. Criteria: ENIGMA BRCA1/2 Classification Criteria (2015). Collection method: curation. Allele origin: germline.
Comment: Class 1 not pathogenic based on frequency >1% in an outbred sampleset. Frequency 0.01626 (African), derived from 1000 genomes (2012-04-30).

NM_007294.4(BRCA1):c.5074+909C>T

Gene: BRCA1 (BRCA1 DNA repair associated; minus strand). Cytogenetic location: 17q21.31.
Variant type: single nucleotide variant.
Coding change: c.5074+909C>T on transcript NM_007294.4 (MANE Select); 909 bases into the intron after coding-DNA position 5074, C replaced by T.
Molecular consequence: intron variant.
Genome position (GRCh38, 1-based): chr17:43,066,699, G>A on the plus strand (C>T on the coding strand, the complement: BRCA1 is on the minus strand). VCF-style: chr17-43066699-G-A. GRCh37 (hg19) VCF-style: chr17-41218716-G-A.
Other names: IVS 17+909C>T; c.1624+909C>T (NM_001408453.1, NM_001408455.1, NM_001408452.1 and 3 more transcripts); c.4930+909C>T (NM_001407737.1, NM_001407746.1, NM_001407738.1 and 21 more transcripts); c.4933+909C>T (NM_001407728.1, NM_007297.4, NM_001407731.1 and 13 more transcripts); c.1621+909C>T (NM_001408461.1, NM_001408464.1, NM_001408467.1 and 7 more transcripts); c.4864+909C>T (NM_001407886.1, NM_001407881.1, NM_001407887.1 and 5 more transcripts); c.4945+909C>T (NM_001407686.1, NM_001407685.1, NM_001407688.1 and 6 more transcripts); c.1759+909C>T (NM_001408397.1, NM_001408401.1, NM_001408396.1 and 8 more transcripts); and 72 more.
Identifiers: ClinVar variation 209343 (VCV000209343.2), dbSNP rs139793550, ClinGen allele CA276315.
Genomic context (GRCh38, chr17:43,066,699, plus strand): 5'-GACCTTGTGATCTGCCCGCCTCAGGCTCCCAAAGTGCTGGGATTACTGATGCGAGCCACC[G>A]CGTCCAGCTGCCTCACTTGTTGTTTTAGGACTTAGGCTCCACCTCACCAGTGTAGTCCCA-3'